The following is an entry in ClinVar:

NM_015895.5(GMNN):c.469-11T>G

Gene: GMNN (geminin DNA replication inhibitor; plus strand). Cytogenetic location: 6p22.3.
Variant type: single nucleotide variant.
Coding change: c.469-11T>G on transcript NM_015895.5 (MANE Select); 11 bases into the intron before coding-DNA position 469, T replaced by G.
Molecular consequence: intron variant.
Genome position (GRCh38, 1-based): chr6:24,785,627, T>G. VCF-style: chr6-24785627-T-G. GRCh37 (hg19) VCF-style: chr6-24785855-T-G.
Other names: c.469-11T>G (NM_001251989.2, NM_001251990.2, NM_001251991.1).
Identifiers: ClinVar variation 1945893 (VCV001945893.5), dbSNP rs1166561856, ClinGen allele CA566287014.

ClinVar aggregate classification (germline): Uncertain significance (1 of 4 stars; one submission).

Allele frequency attached by ClinVar (database versions not stated): gnomAD exomes below 0.00001; TOPMed below 0.00001.
gnomAD v4.1: 2 of 1,379,652 alleles (0.00014%); highest among the groups gnomAD compares: Non-Finnish European, 0.0002%; no homozygotes.

Submission:

Labcorp Genetics (formerly Invitae), Labcorp
Classification: Uncertain significance. Last evaluated: 2024-05-27. Review status: criteria provided, single submitter. Criteria: Invitae Variant Classification Sherloc (09022015). Collection method: clinical testing. Allele origin: germline.
Comment: This sequence change falls in intron 6 of the GMNN gene. It does not directly change the encoded amino acid sequence of the GMNN protein. This variant is present in population databases (no rsID available, gnomAD 0.001%). This variant has not been reported in the literature in individuals affected with GMNN-related conditions. ClinVar contains an entry for this variant (Variation ID: 1945893). Algorithms developed to predict the effect of sequence changes on RNA splicing suggest that this variant may disrupt the consensus splice site. In summary, the available evidence is currently insufficient to determine the role of this variant in disease. Therefore, it has been classified as a Variant of Uncertain Significance.